The following is an entry in ClinVar:

NM_001943.5(DSG2):c.2744G>C (p.Arg915Thr)

Genes: DSG2 (desmoglein 2; plus strand), DSG2-AS1 (DSG2 antisense RNA 1; minus strand). Cytogenetic location: 18q12.1.
Variant type: single nucleotide variant.
Coding change: c.2744G>C on transcript NM_001943.5 (MANE Select); coding-DNA position 2744, G replaced by C.
Protein change: p.Arg915Thr; replaces arginine 915 with threonine.
Molecular consequence: missense variant.
Genome position (GRCh38, 1-based): chr18:31,546,130, G>C. VCF-style: chr18-31546130-G-C. GRCh37 (hg19) VCF-style: chr18-29126093-G-C.
Other names: c.2744G>C (LRG_397t1); short protein forms R915T.
Identifiers: ClinVar variation 326486 (VCV000326486.24), dbSNP rs375358300, ClinGen allele CA047079.

ClinVar aggregate classification (germline): Conflicting classifications of pathogenicity. Review status: criteria provided, conflicting classifications (1 of 4 stars). 9 submissions from 9 submitters: Uncertain significance (7); Likely benign (2). Last evaluated 2026-01-18.

Conditions:
Dilated cardiomyopathy 1BB (CMD1BB). Also called: CARDIOMYOPATHY, DILATED, 1BB, SUSCEPTIBILITY TO. Identifiers: Orphanet 154, MedGen C2752072, MONDO:0013030, OMIM 612877.
Arrhythmogenic right ventricular dysplasia 10. Also called: Arrhythmogenic Right Ventricular Dysplasia/Cardiomyopathy10; ARRHYTHMOGENIC RIGHT VENTRICULAR DYSPLASIA, FAMILIAL, 10; Arrhythmogenic right ventricular dysplasia/cardiomyopathy, type 10. Identifiers: MedGen C1857777, MONDO:0012434, OMIM 610193.
Cardiomyopathy (CMYO). Also called: Cardiomyopathies. Identifiers: Orphanet 167848, MedGen C0878544, MONDO:0004994, HP:0001638. Inheritance: Various modes of inheritance.
Cardiovascular phenotype. Identifiers: MedGen CN230736.
Arrhythmogenic right ventricular cardiomyopathy (ARVD). Also called: Arrhythmogenic cardiomyopathy; Arrhythmogenic Right Ventricular Cardiomyopathy (ARVC); Cardiomyopathy, ARVC; Arrhythmogenic right ventricular dysplasia. Identifiers: Orphanet 247, MedGen C0349788, MeSH D019571, MONDO:0016587. Disease mechanism: loss of function. Inheritance: Various modes of inheritance.

Allele frequency attached by ClinVar (database versions not stated): gnomAD exomes below 0.00001 and 0.00002; ExAC 0.00002; ESP Exome Variant Server 0.00008; TOPMed 0.00008; gnomAD 0.00011 and 0.00013.
gnomAD v4.1: 22 of 1,614,042 alleles (0.0014%); highest among the groups gnomAD compares: African/African-American, 0.028%; no homozygotes.

Submissions (10):

Labcorp Genetics (formerly Invitae), Labcorp
Classification: Uncertain significance for Arrhythmogenic right ventricular dysplasia 10. Last evaluated: 2026-01-18. Review status: criteria provided, single submitter. Criteria: Invitae Variant Classification Sherloc (09022015). Collection method: clinical testing. Allele origin: germline.
Comment: This sequence change replaces arginine, which is basic and polar, with threonine, which is neutral and polar, at codon 915 of the DSG2 protein (p.Arg915Thr). This variant is present in population databases (rs375358300, gnomAD 0.03%). This variant has not been reported in the literature in individuals affected with DSG2-related conditions. ClinVar contains an entry for this variant (Variation ID: 326486). Invitae Evidence Modeling of protein sequence and biophysical properties (such as structural, functional, and spatial information, amino acid conservation, physicochemical variation, residue mobility, and thermodynamic stability) indicates that this missense variant is not expected to disrupt DSG2 protein function with a negative predictive value of 95%. In summary, the available evidence is currently insufficient to determine the role of this variant in disease. Therefore, it has been classified as a Variant of Uncertain Significance.

Molecular Diagnostic Laboratory for Inherited Cardiovascular Disease, Montreal Heart Institute
Classification: Uncertain significance for Cardiovascular phenotype. Last evaluated: 2025-04-09. Review status: criteria provided, single submitter. Criteria: ACMG Guidelines, 2015. Collection method: clinical testing. Allele origin: germline. Affected: yes.

All of Us Research Program, National Institutes of Health
Classification: Uncertain significance for Arrhythmogenic right ventricular cardiomyopathy. Last evaluated: 2024-06-11. Review status: criteria provided, single submitter. Criteria: ACMG Guidelines, 2015. Collection method: clinical testing. Allele origin: germline. Inheritance: Autosomal dominant inheritance. Observed: 8 variant alleles, 8 heterozygotes.
Comment: This missense variant replaces arginine with threonine at codon 915 of the DSG2 protein. Computational prediction suggests that this variant may not impact protein structure and function (internally defined REVEL score threshold <= 0.5, PMID: 27666373). Splice site prediction tools suggest that this variant may not impact RNA splicing. To our knowledge, functional studies have not been performed for this variant. This variant has not been reported in individuals affected with cardiovascular disorders in the literature. This variant has been identified in 8/280546 chromosomes in the general population by the Genome Aggregation Database (gnomAD). The available evidence is insufficient to determine the role of this variant in disease conclusively. Therefore, this variant is classified as a Variant of Uncertain Significance.

This study involves interpretation of variants in research participants for the purpose of population health screening. Participant phenotype was not available at the time of variant classification. Additional details can be found in publication PMID: 35346344, PMCID: PMC8962531

Color Diagnostics, LLC DBA Color Health
Classification: Uncertain significance for Cardiomyopathy. Last evaluated: 2024-03-06. Review status: criteria provided, single submitter. Criteria: ACMG Guidelines, 2015. Collection method: clinical testing. Allele origin: germline.
Comment: This missense variant replaces arginine with threonine at codon 915 of the DSG2 protein. Computational prediction suggests that this variant may not impact protein structure and function (internally defined REVEL score threshold <= 0.5, PMID: 27666373). To our knowledge, functional studies have not been reported for this variant. This variant has not been reported in individuals affected with DSG2-related disorders in the literature. This variant has been identified in 8/280546 chromosomes in the general population by the Genome Aggregation Database (gnomAD). The available evidence is insufficient to determine the role of this variant in disease conclusively. Therefore, this variant is classified as a Variant of Uncertain Significance.

Blueprint Genetics
Classification: Likely benign. Last evaluated: 2023-11-30. Review status: criteria provided, single submitter. Criteria: ACMG Guidelines, 2015. Collection method: clinical testing. Allele origin: germline.

Ambry Genetics
Classification: Likely benign for Cardiovascular phenotype. Last evaluated: 2023-03-27. Review status: criteria provided, single submitter. Criteria: Ambry Variant Classification Scheme 2023. Collection method: clinical testing. Allele origin: germline.

GeneDx
Classification: Uncertain significance. Last evaluated: 2022-10-04. Review status: criteria provided, single submitter. Criteria: GeneDx Variant Classification Process June 2021. Collection method: clinical testing. Allele origin: germline. Affected: yes.
Comment: In silico analysis supports that this missense variant does not alter protein structure/function; Has not been previously published as pathogenic or benign to our knowledge

Fulgent Genetics
Classification: Uncertain significance for Arrhythmogenic right ventricular dysplasia 10; Dilated cardiomyopathy 1BB. Last evaluated: 2021-08-03. Review status: criteria provided, single submitter. Criteria: ACMG Guidelines, 2015. Collection method: clinical testing. Allele origin: unknown.

Illumina Laboratory Services, Illumina
Classification: Uncertain significance for Arrhythmogenic right ventricular dysplasia 10. Last evaluated: 2018-01-12. Review status: criteria provided, single submitter. Criteria: ICSL Variant Classification Criteria 13 December 2019. Collection method: clinical testing. Allele origin: germline.

Dr. Peter K. Rogan Lab, Western University
No classification provided (evidence only). Condition: Familial cancer of breast. Review status: no classification provided. Collection method: in vitro. Allele origin: not applicable. Functional consequence: retained intron. Not counted in ClinVar's aggregate classification.